The following is an entry in ClinVar:

NM_000264.5(PTCH1):c.4188del (p.Leu1397fs)

Gene: PTCH1 (patched 1; minus strand). Cytogenetic location: 9q22.32.
Variant type: Deletion.
Coding change: c.4188del on transcript NM_000264.5 (MANE Select); coding-DNA position 4188, one base deleted (A; older notation c.4188delA).
Protein change: p.Leu1397fs; shifts the reading frame from leucine 1397.
Molecular consequence: frameshift variant. On other transcripts: non-coding transcript variant (1).
Genome position (GRCh38, 1-based): chr9:95,447,068, T deleted on the plus strand (A on the coding strand, the reverse complement: PTCH1 is on the minus strand). VCF-style (leftmost placement, unchanged base first): chr9-95447067-GT-G. GRCh37 (hg19) VCF-style: chr9-98209349-GT-G.
Other names: c.3735del, p.Leu1246fs (NM_001083607.3, NM_001083604.3, NM_001083605.3 and 1 more transcripts); c.4032del, p.Leu1345fs (NM_001354918.2); c.3990del, p.Leu1331fs (NM_001083602.3); c.4185del, p.Leu1396fs (NM_001083603.3); short protein forms L1396fs, L1246fs, L1331fs, L1345fs, L1397fs.
Identifiers: ClinVar variation 2795947 (VCV002795947.3), dbSNP rs769175073, ClinGen allele CA5137928.

ClinVar aggregate classification (germline): Uncertain significance (1 of 4 stars; one submission).

Conditions:
Gorlin syndrome. Also called: Basal cell nevus syndrome; Nevoid Basal Cell Carcinoma Syndrome. Identifiers: Orphanet 377, MedGen C0004779, MONDO:0007187.

Allele frequency attached by ClinVar (database versions not stated): gnomAD exomes below 0.00001; ExAC 0.00001.

Submission:

Labcorp Genetics (formerly Invitae), Labcorp
Classification: Uncertain significance for Gorlin syndrome. Last evaluated: 2022-11-06. Review status: criteria provided, single submitter. Criteria: Invitae Variant Classification Sherloc (09022015). Collection method: clinical testing. Allele origin: germline.
Comment: This sequence change results in a frameshift in the PTCH1 gene (p.Leu1397Serfs*55). While this is not anticipated to result in nonsense mediated decay, it is expected to disrupt the last 51 amino acid(s) of the PTCH1 protein and extend the protein by 3 additional amino acid residues. This variant is present in population databases (rs769175073, gnomAD 0.0009%). This variant has not been reported in the literature in individuals affected with PTCH1-related conditions. Experimental studies and prediction algorithms are not available or were not evaluated, and the functional significance of this variant is currently unknown. In summary, the available evidence is currently insufficient to determine the role of this variant in disease. Therefore, it has been classified as a Variant of Uncertain Significance.